The following is an entry in ClinVar:

NM_182493.3(MYLK3):c.274G>A (p.Glu92Lys)

Gene: MYLK3 (myosin light chain kinase 3; minus strand). Cytogenetic location: 16q11.2.
Variant type: single nucleotide variant.
Coding change: c.274G>A on transcript NM_182493.3 (MANE Select); coding-DNA position 274, G replaced by A.
Protein change: p.Glu92Lys; replaces glutamic acid 92 with lysine.
Molecular consequence: missense variant. On other transcripts: intron variant (1).
Genome position (GRCh38, 1-based): chr16:46,747,920, C>T on the plus strand (G>A on the coding strand, the complement: MYLK3 is on the minus strand). VCF-style: chr16-46747920-C-T. GRCh37 (hg19) VCF-style: chr16-46781832-C-T.
Other names: c.-113-7773G>A (NM_001308301.1); short protein forms E92K.
Identifiers: ClinVar variation 3713491 (VCV003713491.2).
Genomic context (GRCh38, chr16:46,747,920, plus strand): 5'-CCAGCCTGGCACCGTGCTGGGCCGCATCCTGCTGCATGGCCCTCACCAGCTCCAGGACCT[C>T]GGGCCACCCAGCCTGGGTGTCAATGTGGGGAACCCCATCAGCCCCGCCCGGGCCCGGTGC-3'
Protein context (NP_872299.2, residues 82-102): PHIDTQAGWP[Glu92Lys]VLELVRAMQQ

ClinVar aggregate classification (germline): Uncertain significance (1 of 4 stars; one submission).

gnomAD v4.1: 8 of 1,613,594 alleles (0.0005%); highest among the groups gnomAD compares: East Asian, 0.0045%; no homozygotes.

Submission:

Labcorp Genetics (formerly Invitae), Labcorp
Classification: Uncertain significance. Last evaluated: 2024-03-20. Review status: criteria provided, single submitter. Criteria: Invitae Variant Classification Sherloc (09022015). Collection method: clinical testing. Allele origin: germline.
Comment: This sequence change replaces glutamic acid, which is acidic and polar, with lysine, which is basic and polar, at codon 92 of the MYLK3 protein (p.Glu92Lys). This variant is present in population databases (rs760109799, gnomAD 0.006%). This variant has not been reported in the literature in individuals affected with MYLK3-related conditions. An algorithm developed to predict the effect of missense changes on protein structure and function (PolyPhen-2) suggests that this variant is likely to be tolerated. In summary, the available evidence is currently insufficient to determine the role of this variant in disease. Therefore, it has been classified as a Variant of Uncertain Significance.